The following is an entry in ClinVar:

NM_000214.3(JAG1):c.1659G>T (p.Glu553Asp)

Gene: JAG1 (jagged canonical Notch ligand 1; minus strand). Cytogenetic location: 20p12.2.
Variant type: single nucleotide variant.
Coding change: c.1659G>T on transcript NM_000214.3 (MANE Select); coding-DNA position 1659, G replaced by T.
Protein change: p.Glu553Asp; replaces glutamic acid 553 with aspartic acid.
Molecular consequence: missense variant.
Genome position (GRCh38, 1-based): chr20:10,648,021, C>A on the plus strand (G>T on the coding strand, the complement: JAG1 is on the minus strand). VCF-style: chr20-10648021-C-A. GRCh37 (hg19) VCF-style: chr20-10628669-C-A.
Other names: short protein forms E553D.
Identifiers: ClinVar variation 895881 (VCV000895881.15), dbSNP rs1337206941, ClinGen allele CA408236835.

ClinVar aggregate classification (germline): Conflicting classifications of pathogenicity. Review status: criteria provided, conflicting classifications (1 of 4 stars). 4 submissions from 4 submitters: Uncertain significance (1); Likely benign (2). 1 of the submissions does not count toward it. Last evaluated 2025-08-03.

Conditions:
Cardiovascular phenotype. Identifiers: MedGen CN230736.
Alagille syndrome due to a JAG1 point mutation. Also called: HEPATIC DUCTULAR HYPOPLASIA, SYNDROMATIC; JAG1-Related Alagille Syndrome; Alagille Syndrome 1. Identifiers: Orphanet 261619, Orphanet 52, MedGen C1956125, MONDO:0016862, OMIM 118450.
JAG1-related disorder. Also called: JAG1-related disorders; JAG1-related condition.
Isolated Nonsyndromic Congenital Heart Disease.

Allele frequency attached by ClinVar (database versions not stated): gnomAD exomes below 0.00001 and 0.00001; gnomAD 0.00001; TOPMed 0.00005.
gnomAD v4.1: 3 of 1,614,050 alleles (0.00019%); highest among the groups gnomAD compares: Admixed American, 0.0033%; no homozygotes.

Submissions (4):

Ambry Genetics
Classification: Likely benign for Cardiovascular phenotype. Last evaluated: 2025-08-03. Review status: criteria provided, single submitter. Criteria: Ambry Variant Classification Scheme 2023. Collection method: clinical testing. Allele origin: germline.

Labcorp Genetics (formerly Invitae), Labcorp
Classification: Likely benign for Alagille syndrome due to a JAG1 point mutation. Last evaluated: 2025-05-15. Review status: criteria provided, single submitter. Criteria: Invitae Variant Classification Sherloc (09022015). Collection method: clinical testing. Allele origin: germline.

Illumina Laboratory Services, Illumina
Classification: Uncertain significance for Isolated Nonsyndromic Congenital Heart Disease. Last evaluated: 2018-01-12. Review status: criteria provided, single submitter. Criteria: ICSL Variant Classification Criteria 13 December 2019. Collection method: clinical testing. Allele origin: germline.

PreventionGenetics, part of Exact Sciences
Classification: Uncertain significance for JAG1-related condition. Last evaluated: 2024-04-11. Review status: no assertion criteria provided. Collection method: clinical testing. Allele origin: germline. Not counted in ClinVar's aggregate classification.
Comment: The JAG1 c.1659G>T variant is predicted to result in the amino acid substitution p.Glu553Asp. To our knowledge, this variant has not been reported in the literature. This variant is reported in 0.0058% of alleles in individuals of Latino descent in gnomAD. At this time, the clinical significance of this variant is uncertain due to the absence of conclusive functional and genetic evidence.